The following is an entry in ClinVar:

NM_000169.3(GLA):c.646T>G (p.Tyr216Asp)

Genes: RPL36A-HNRNPH2 (RPL36A-HNRNPH2 readthrough; plus strand), GLA (galactosidase alpha; minus strand). Cytogenetic location: Xq22.1.
Variant type: single nucleotide variant.
Coding change: c.646T>G on transcript NM_000169.3 (MANE Select); coding-DNA position 646, T replaced by G.
Protein change: p.Tyr216Asp; replaces tyrosine 216 with aspartic acid.
Molecular consequence: missense variant. On other transcripts: non-coding transcript variant (3), intron variant (2).
Genome position (GRCh38, 1-based): chrX:101,398,940, A>C on the plus strand (T>G on the coding strand, the complement: GLA is on the minus strand). VCF-style: chrX-101398940-A-C. GRCh37 (hg19) VCF-style: chrX-100653928-A-C.
Other names: c.300+3483A>C (NM_001199973.2); c.177+7118A>C (NM_001199974.2); c.769T>G, p.Tyr257Asp (NM_001406747.1); c.646T>G, p.Tyr216Asp (NM_001406748.1); short protein forms Y216D, Y257D.
Identifiers: ClinVar variation 962893 (VCV000962893.13), dbSNP rs1928199003, ClinGen allele CA413925122.

ClinVar aggregate classification (germline): Pathogenic/Likely pathogenic. Review status: criteria provided, multiple submitters, no conflicts (2 of 4 stars). 3 submissions from 3 submitters: Pathogenic (2); Likely pathogenic (1). Last evaluated 2026-09-08.

Conditions:
Fabry disease. Also called: GLA DEFICIENCY; HEREDITARY DYSTOPIC LIPIDOSIS; Angiokeratoma corporis diffusum; ANDERSON-FABRY DISEASE; ALPHA-GALACTOSIDASE A DEFICIENCY; CERAMIDE TRIHEXOSIDASE DEFICIENCY. Identifiers: Orphanet 324, MedGen C0002986, MONDO:0010526, OMIM 301500, HP:0001071. Disease mechanism: Fabry disease is due to inactivating mutations in the X-linked GLA gene resulting in deficiency of the enzyme Alpha Galactosidase-A., loss of function.

Submissions (3):

Genomenon, Inc
Classification: Likely pathogenic for Fabry disease. Last evaluated: 2026-09-08. Review status: criteria provided, single submitter. Criteria: Genomenon Sequence Variant Interpretation Standards - Updated. Collection method: curation. Allele origin: germline. Affected: yes.
Comment: GLA p.Tyr216Asp (c.646T>G) is a missense variant that changes the amino acid at codon 216 from Tyrosine to Aspartic acid. This variant has been observed in at least one proband with clinical features consistent with Fabry disease (PMID:25386848;9100224;32127409). At least one functional study has demonstrated a substantial alteration in protein function relative to the wild-type (PMID:27657681). It is absent or not present at a significant frequency in gnomAD. In silico models predict that this variant is possibly or probably damaging. In conclusion, we classify GLA p.Tyr216Asp (c.646T>G) as a likely pathogenic variant.

GeneDx
Classification: Pathogenic. Last evaluated: 2023-05-16. Review status: criteria provided, single submitter. Criteria: GeneDx Variant Classification Process June 2021. Collection method: clinical testing. Allele origin: germline. Affected: yes.
Comment: Published functional studies found this variant is associated with significantly reduced enzyme activity (Benjamin ER et al., 2017); Not observed at significant frequency in large population cohorts (gnomAD); In silico analysis supports that this missense variant has a deleterious effect on protein structure/function; This variant is associated with the following publications: (PMID: 25382311, 9100224, 24386359, 25386848, 27657681)

Labcorp Genetics (formerly Invitae), Labcorp
Classification: Pathogenic for Fabry disease. Last evaluated: 2019-09-29. Review status: criteria provided, single submitter. Criteria: Invitae Variant Classification Sherloc (09022015). Collection method: clinical testing. Allele origin: germline.
Comment: This variant disrupts the p.Tyr216 amino acid residue in GLA. Other variant(s) that disrupt this residue have been determined to be pathogenic (PMID: 19941952, 20367968, 27560961, 28756410). This suggests that this residue is clinically significant, and that variants that disrupt this residue are likely to be disease-causing. This sequence change replaces tyrosine with aspartic acid at codon 216 of the GLA protein (p.Tyr216Asp). The tyrosine residue is highly conserved and there is a large physicochemical difference between tyrosine and aspartic acid. This variant is not present in population databases (ExAC no frequency). This variant has been observed in several individuals affected with Fabry disease (PMID: 25386848, 9100224, Invitae). Algorithms developed to predict the effect of missense changes on protein structure and function (SIFT, PolyPhen-2, Align-GVGD) all suggest that this variant is likely to be disruptive, but these predictions have not been confirmed by published functional studies and their clinical significance is uncertain. For these reasons, this variant has been classified as Pathogenic.

Literature cited by the submitters: PubMed 25386848 (cited by Genomenon, Inc and Labcorp Genetics (formerly Invitae), Labcorp); PubMed 9100224 (cited by Genomenon, Inc and Labcorp Genetics (formerly Invitae), Labcorp); PubMed 32127409 (cited by Genomenon, Inc); PubMed 27657681 (cited by Genomenon, Inc); PubMed 19941952 (cited by Labcorp Genetics (formerly Invitae), Labcorp); PubMed 20367968 (cited by Labcorp Genetics (formerly Invitae), Labcorp); PubMed 27560961 (cited by Labcorp Genetics (formerly Invitae), Labcorp); PubMed 28756410 (cited by Labcorp Genetics (formerly Invitae), Labcorp).